The following is an entry in ClinVar:

ClinVar aggregate classification (germline): Conflicting classifications of pathogenicity. Review status: criteria provided, conflicting classifications (1 of 4 stars). 2 submissions from 2 submitters: Likely pathogenic (1); Uncertain significance (1). Last evaluated 2026-01-26.

Conditions:
Inborn genetic diseases. Identifiers: MedGen C0950123, MeSH D030342.

Allele frequency attached by ClinVar (database versions not stated): gnomAD exomes below 0.00001 and 0.00001; TOPMed below 0.00001; gnomAD 0.00001.
gnomAD v4.1: 14 of 1,613,878 alleles (0.00087%); highest among the groups gnomAD compares: Admixed American, 0.0033%; no homozygotes.

Submissions (2):

Labcorp Genetics (formerly Invitae), Labcorp
Classification: Likely pathogenic. Last evaluated: 2026-01-26. Review status: criteria provided, single submitter. Criteria: Invitae Variant Classification Sherloc (09022015). Collection method: clinical testing. Allele origin: germline.
Comment: This sequence change replaces arginine, which is basic and polar, with glutamine, which is neutral and polar, at codon 964 of the IMPG2 protein (p.Arg964Gln). This variant is present in population databases (no rsID available, gnomAD 0.003%). This missense change has been observed in individual(s) with clinical features of IMPG2-related conditions (internal data). In at least one individual the data is consistent with being in trans (on the opposite chromosome) from a pathogenic variant. It has also been observed to segregate with disease in related individuals. ClinVar contains an entry for this variant (Variation ID: 1485132). Invitae Evidence Modeling of protein sequence and biophysical properties (such as structural, functional, and spatial information, amino acid conservation, physicochemical variation, residue mobility, and thermodynamic stability) indicates that this missense variant is expected to disrupt IMPG2 protein function with a positive predictive value of 80%. In summary, the currently available evidence indicates that the variant is pathogenic, but additional data are needed to prove that conclusively. Therefore, this variant has been classified as Likely Pathogenic.

Ambry Genetics
Classification: Uncertain significance for Inborn genetic diseases. Last evaluated: 2025-08-12. Review status: criteria provided, single submitter. Criteria: Ambry Variant Classification Scheme 2023. Collection method: clinical testing. Allele origin: germline.

NM_016247.4(IMPG2):c.2891G>A (p.Arg964Gln)

Gene: IMPG2 (interphotoreceptor matrix proteoglycan 2; minus strand). Cytogenetic location: 3q12.3.
Variant type: single nucleotide variant.
Coding change: c.2891G>A on transcript NM_016247.4 (MANE Select); coding-DNA position 2891, G replaced by A.
Protein change: p.Arg964Gln; replaces arginine 964 with glutamine.
Molecular consequence: missense variant.
Genome position (GRCh38, 1-based): chr3:101,242,819, C>T on the plus strand (G>A on the coding strand, the complement: IMPG2 is on the minus strand). VCF-style: chr3-101242819-C-T. GRCh37 (hg19) VCF-style: chr3-100961663-C-T.
Other names: c.2891G>A (NM_016247.3); short protein forms R964Q.
Identifiers: ClinVar variation 1485132 (VCV001485132.7), dbSNP rs887388274, ClinGen allele CA79721114.